The following is an entry in ClinVar:

ClinVar aggregate classification (germline): Likely benign (1 of 4 stars; one submission).

gnomAD v4.1: 1,033 of 1,612,410 alleles (0.064%); highest among the groups gnomAD compares: Non-Finnish European, 0.08%; 1 homozygote.

Submission:

CeGaT Center for Human Genetics Tuebingen
Classification: Likely benign. Last evaluated: 2025-11-01. Review status: criteria provided, single submitter. Criteria: CeGaT Center For Human Genetics Tuebingen Variant Classification Criteria Version 2. Collection method: clinical testing. Allele origin: germline. Affected: yes. Observed: 1 variant allele.
Comment: KLHL20: BP4, BS1

NM_014458.4(KLHL20):c.1430-8C>T

Gene: KLHL20 (kelch like family member 20; plus strand). Cytogenetic location: 1q25.1.
Variant type: single nucleotide variant.
Coding change: c.1430-8C>T on transcript NM_014458.4 (MANE Select); 8 bases into the intron before coding-DNA position 1430, C replaced by T.
Molecular consequence: intron variant.
Genome position (GRCh38, 1-based): chr1:173,775,626, C>T. VCF-style: chr1-173775626-C-T. GRCh37 (hg19) VCF-style: chr1-173744765-C-T.
Identifiers: ClinVar variation 4533605 (VCV004533605.6).